The following is an entry in ClinVar:

NM_058195.4(CDKN2A):c.194-3652G>A

Genes: CDKN2A (cyclin dependent kinase inhibitor 2A; minus strand), LOC130001603 (ATAC-STARR-seq lymphoblastoid silent region 19811; plus strand). Cytogenetic location: 9p21.3.
Variant type: single nucleotide variant.
Coding change: c.194-3652G>A on transcript NM_058195.4 (MANE Plus Clinical); 3652 bases into the intron before coding-DNA position 194, G replaced by A.
Molecular consequence: intron variant.
Genome position (GRCh38, 1-based): chr9:21,974,860, C>T on the plus strand (G>A on the coding strand, the complement: CDKN2A is on the minus strand). VCF-style: chr9-21974860-C-T. GRCh37 (hg19) VCF-style: chr9-21974859-C-T.
Other names: c.-33G>A (NM_000077.6); c.-3-3652G>A (NM_001363763.2).
Identifiers: ClinVar variation 2573282 (VCV002573282.1), dbSNP rs531597737, ClinGen allele CA1839173729.

ClinVar aggregate classification (germline): Uncertain significance (1 of 4 stars; one submission).

Conditions:
Melanoma-pancreatic cancer syndrome. Identifiers: Orphanet 404560, MedGen C1838547, MONDO:0011713, OMIM 606719. Disease mechanism: loss of function.

gnomAD v4.1: 4 of 1,515,780 alleles (0.00026%); highest among the groups gnomAD compares: East Asian, 0.0074%; no homozygotes.

Submission:

Myriad Genetics, Inc.
Classification: Uncertain significance for Melanoma-pancreatic cancer syndrome. Last evaluated: 2023-04-21. Review status: criteria provided, single submitter. Criteria: Myriad Autosomal Dominant, Autosomal Recessive and X-Linked Classification Criteria (2023). Collection method: clinical testing. Allele origin: unknown.
Comment: This variant is classified as a variant of uncertain significance as there is insufficient evidence to determine its impact on protein function and/or cancer risk.